The following is an entry in ClinVar:

ClinVar aggregate classification (germline): Uncertain significance (1 of 4 stars; one submission).

Conditions:
Hereditary nonpolyposis colorectal neoplasms. Identifiers: MedGen C0009405, MeSH D003123.

Submission:

Labcorp Genetics (formerly Invitae), Labcorp
Classification: Uncertain significance for Hereditary nonpolyposis colorectal neoplasms. Last evaluated: 2018-11-05. Review status: criteria provided, single submitter. Criteria: Invitae Variant Classification Sherloc (09022015). Collection method: clinical testing. Allele origin: germline.
Comment: In summary, the available evidence is currently insufficient to determine the role of this variant in disease. Therefore, it has been classified as a Variant of Uncertain Significance. Algorithms developed to predict the effect of missense changes on protein structure and function output the following: SIFT: "Tolerated"; PolyPhen-2: "Benign"; Align-GVGD: "Class C0". The aspartic acid amino acid residue is found in multiple mammalian species, suggesting that this missense change does not adversely affect protein function. These predictions have not been confirmed by published functional studies and their clinical significance is uncertain. This variant has not been reported in the literature in individuals with PMS2-related disease. This variant is not present in population databases (ExAC no frequency). This sequence change replaces glutamic acid with aspartic acid at codon 489 of the PMS2 protein (p.Glu489Asp). The glutamic acid residue is weakly conserved and there is a small physicochemical difference between glutamic acid and aspartic acid.

NM_000535.7(PMS2):c.1467G>C (p.Glu489Asp)

Gene: PMS2 (PMS1 homolog 2, mismatch repair system component; minus strand). Cytogenetic location: 7p22.1.
Variant type: single nucleotide variant.
Coding change: c.1467G>C on transcript NM_000535.7 (MANE Select); coding-DNA position 1467, G replaced by C.
Protein change: p.Glu489Asp; replaces glutamic acid 489 with aspartic acid.
Molecular consequence: missense variant. On other transcripts: non-coding transcript variant (1).
Genome position (GRCh38, 1-based): chr7:5,987,298, C>G on the plus strand (G>C on the coding strand, the complement: PMS2 is on the minus strand). VCF-style: chr7-5987298-C-G. GRCh37 (hg19) VCF-style: chr7-6026929-C-G.
Other names: c.1062G>C, p.Glu354Asp (NM_001322003.2, NM_001322004.2, NM_001322005.2 and 1 more transcripts); c.1311G>C, p.Glu437Asp (NM_001322006.2); c.1149G>C, p.Glu383Asp (NM_001322007.2, NM_001322008.2); c.906G>C, p.Glu302Asp (NM_001322010.2); c.534G>C, p.Glu178Asp (NM_001322011.2, NM_001322012.2); c.894G>C, p.Glu298Asp (NM_001322013.2); c.1467G>C, p.Glu489Asp (NM_001322014.2); c.1158G>C, p.Glu386Asp (NM_001322015.2); short protein forms E383D, E302D, E386D, E489D, E298D, E354D, E437D, E178D.
Identifiers: ClinVar variation 654614 (VCV000654614.8), dbSNP rs542522853, ClinGen allele CA366741883.